The following is an entry in ClinVar:

NM_001365088.1(SLC12A6):c.1721T>C (p.Ile574Thr)

Gene: SLC12A6 (solute carrier family 12 member 6; minus strand). Cytogenetic location: 15q14.
Variant type: single nucleotide variant.
Coding change: c.1721T>C on transcript NM_001365088.1 (MANE Select); coding-DNA position 1721, T replaced by C.
Protein change: p.Ile574Thr; replaces isoleucine 574 with threonine.
Molecular consequence: missense variant.
Genome position (GRCh38, 1-based): chr15:34,245,796, A>G on the plus strand (T>C on the coding strand, the complement: SLC12A6 is on the minus strand). VCF-style: chr15-34245796-A-G. GRCh37 (hg19) VCF-style: chr15-34537997-A-G.
Other names: c.1544T>C, p.Ile515Thr (NM_001042494.2, NM_001042495.2); c.1694T>C, p.Ile565Thr (NM_001042496.2); c.1676T>C, p.Ile559Thr (NM_001042497.2); c.1568T>C, p.Ile523Thr (NM_005135.2); c.1721T>C, p.Ile574Thr (NM_133647.2); short protein forms I515T, I559T, I574T, I523T, I565T.
Identifiers: ClinVar variation 2142302 (VCV002142302.4), dbSNP rs775386922, ClinGen allele CA7464232.

ClinVar aggregate classification (germline): Uncertain significance. Review status: criteria provided, multiple submitters, no conflicts (2 of 4 stars). 2 submissions from 2 submitters: Uncertain significance (2). Last evaluated 2024-11-26.

Conditions:
Inborn genetic diseases. Identifiers: MedGen C0950123, MeSH D030342.

Allele frequency attached by ClinVar (database versions not stated): ExAC 0.00002; gnomAD exomes 0.00002; gnomAD 0.00003; TOPMed 0.00004.
gnomAD v4.1: 28 of 1,613,544 alleles (0.0017%); highest among the groups gnomAD compares: Admixed American, 0.0033%; no homozygotes.

Submissions (2):

Ambry Genetics
Classification: Uncertain significance for Inborn genetic diseases. Last evaluated: 2024-11-26. Review status: criteria provided, single submitter. Criteria: Ambry Variant Classification Scheme 2023. Collection method: clinical testing. Allele origin: germline.

Labcorp Genetics (formerly Invitae), Labcorp
Classification: Uncertain significance. Last evaluated: 2024-03-09. Review status: criteria provided, single submitter. Criteria: Invitae Variant Classification Sherloc (09022015). Collection method: clinical testing. Allele origin: germline.
Comment: This sequence change replaces isoleucine, which is neutral and non-polar, with threonine, which is neutral and polar, at codon 574 of the SLC12A6 protein (p.Ile574Thr). This variant is present in population databases (rs775386922, gnomAD 0.002%). This variant has not been reported in the literature in individuals affected with SLC12A6-related conditions. ClinVar contains an entry for this variant (Variation ID: 2142302). Advanced modeling of protein sequence and biophysical properties (such as structural, functional, and spatial information, amino acid conservation, physicochemical variation, residue mobility, and thermodynamic stability) performed at Invitae indicates that this missense variant is not expected to disrupt SLC12A6 protein function with a negative predictive value of 80%. In summary, the available evidence is currently insufficient to determine the role of this variant in disease. Therefore, it has been classified as a Variant of Uncertain Significance.